The following is an entry in ClinVar:

ClinVar aggregate classification (germline): Pathogenic/Likely pathogenic. Review status: criteria provided, multiple submitters, no conflicts (2 of 4 stars). 2 submissions from 2 submitters: Pathogenic (1); Likely pathogenic (1). Last evaluated 2024-10-17.

Conditions:
Bone mineral density quantitative trait locus 18 (BMND18). Also called: OSTEOPOROSIS AND OSTEOPOROTIC FRACTURES, SUSCEPTIBILITY TO; Bone mineral density QTL18, osteoporosis. Identifiers: Orphanet 391330, MedGen C3806712, OMIM 300910.

Allele frequency attached by ClinVar (database versions not stated): gnomAD exomes below 0.00001 and 0.00001; TOPMed below 0.00001; ExAC 0.00001; gnomAD 0.00001.
gnomAD v4.1: 1 of 1,088,026 alleles (0.000092%); highest among the groups gnomAD compares: African/African-American, 0.0018%; no homozygotes.

Submissions (2):

Labcorp Genetics (formerly Invitae), Labcorp
Classification: Pathogenic. Last evaluated: 2024-10-17. Review status: criteria provided, single submitter. Criteria: Invitae Variant Classification Sherloc (09022015). Collection method: clinical testing. Allele origin: germline.
Comment: This sequence change affects an acceptor splice site in intron 5 of the PLS3 gene. It is expected to disrupt RNA splicing. Variants that disrupt the donor or acceptor splice site typically lead to a loss of protein function (PMID: 16199547), and loss-of-function variants in PLS3 are known to be pathogenic (PMID: 24088043, 30405713, 33166085). This variant is present in population databases (rs781935919, gnomAD 0.008%). Disruption of this splice site has been observed in individual(s) with PLS3-related conditions (internal data). ClinVar contains an entry for this variant (Variation ID: 1687261). Algorithms developed to predict the effect of sequence changes on RNA splicing suggest that this variant may disrupt the consensus splice site. For these reasons, this variant has been classified as Pathogenic.

3billion
Classification: Likely pathogenic for Bone mineral density quantitative trait locus 18. Last evaluated: 2022-05-22. Review status: criteria provided, single submitter. Criteria: ACMG Guidelines, 2015. Collection method: clinical testing. Allele origin: germline. Affected: yes. Observed: 1 hemizygote.
Comment: The variant is observed at an extremely low frequency in the gnomAD v2.1.1 dataset (total allele frequency: <0.001%). Canonical splice site: predicted to alter splicing and result in a loss or disruption of normal protein function. Multiple pathogenic loss-of-function variants are reported downstream of the variant. Therefore, this variant is classified as likely pathogenic according to the recommendation of ACMG/AMP guideline.

Literature cited by the submitters: PubMed 16199547 (cited by Labcorp Genetics (formerly Invitae), Labcorp); PubMed 24088043 (cited by Labcorp Genetics (formerly Invitae), Labcorp); PubMed 30405713 (cited by Labcorp Genetics (formerly Invitae), Labcorp); PubMed 33166085 (cited by Labcorp Genetics (formerly Invitae), Labcorp).

NM_005032.7(PLS3):c.501-1G>A

Gene: PLS3 (plastin 3; plus strand). Cytogenetic location: Xq23.
Variant type: single nucleotide variant.
Coding change: c.501-1G>A on transcript NM_005032.7 (MANE Select); the canonical splice acceptor site of the intron before coding-DNA position 501, G replaced by A.
Molecular consequence: splice acceptor variant.
Genome position (GRCh38, 1-based): chrX:115,633,999, G>A. VCF-style: chrX-115633999-G-A. GRCh37 (hg19) VCF-style: chrX-114868311-G-A.
Other names: c.435-1G>A (NM_001282337.2); c.366-1G>A (NM_001282338.2); c.501-1G>A (NM_001136025.5); c.420-1G>A (NM_001172335.3).
Identifiers: ClinVar variation 1687261 (VCV001687261.3), dbSNP rs781935919, ClinGen allele CA10496906.